The following is an entry in ClinVar:

ClinVar aggregate classification (germline): Likely benign. Review status: criteria provided, single submitter (1 of 4 stars). 2 submissions from 2 submitters: Likely benign (1). 1 of the submissions does not count toward it. Last evaluated 2025-02-01.

Conditions:
KLF4-related disorder. Also called: KLF4-related condition.

Allele frequency attached by ClinVar (database versions not stated): 1000 Genomes Project 30x 0.00125; 1000 Genomes Project 0.00160; TOPMed 0.00285; gnomAD 0.00312; ESP Exome Variant Server 0.00347.
gnomAD v4.1: 6,000 of 1,558,654 alleles (0.38%); highest among the groups gnomAD compares: Non-Finnish European, 0.45%; 16 homozygotes.

Submissions (2):

CeGaT Center for Human Genetics Tuebingen
Classification: Likely benign. Last evaluated: 2025-02-01. Review status: criteria provided, single submitter. Criteria: CeGaT Center For Human Genetics Tuebingen Variant Classification Criteria Version 2. Collection method: clinical testing. Allele origin: germline. Affected: yes. Observed: 2 variant alleles.
Comment: KLF4: BS2

PreventionGenetics, part of Exact Sciences
Classification: Likely benign for KLF4-related condition. Last evaluated: 2020-08-04. Review status: no assertion criteria provided. Collection method: clinical testing. Allele origin: germline. Not counted in ClinVar's aggregate classification.
Comment: This variant is classified as likely benign based on ACMG/AMP sequence variant interpretation guidelines (Richards et al. 2015 PMID: 25741868, with internal and published modifications).

NM_004235.6(KLF4):c.859C>T (p.His287Tyr)

Gene: KLF4 (KLF transcription factor 4; minus strand). Cytogenetic location: 9q31.2.
Variant type: single nucleotide variant.
Coding change: c.859C>T on transcript NM_004235.6 (MANE Select); coding-DNA position 859, C replaced by T.
Protein change: p.His287Tyr; replaces histidine 287 with tyrosine.
Molecular consequence: missense variant.
Genome position (GRCh38, 1-based): chr9:107,487,535, G>A on the plus strand (C>T on the coding strand, the complement: KLF4 is on the minus strand). VCF-style: chr9-107487535-G-A. GRCh37 (hg19) VCF-style: chr9-110249816-G-A.
Other names: c.859C>T, p.His287Tyr (NM_001314052.2); short protein forms H287Y.
Identifiers: ClinVar variation 3044586 (VCV003044586.15), dbSNP rs139237114, ClinGen allele CA5173191.